The following is an entry in ClinVar:

NM_006915.3(RP2):c.175G>T (p.Gly59Ter)

Gene: RP2 (RP2 activator of ARL3 GTPase; plus strand). Cytogenetic location: Xp11.3.
Variant type: single nucleotide variant.
Coding change: c.175G>T on transcript NM_006915.3 (MANE Select); coding-DNA position 175, G replaced by T.
Protein change: p.Gly59Ter; replaces glycine 59 with a stop codon.
Molecular consequence: nonsense.
Genome position (GRCh38, 1-based): chrX:46,853,548, G>T. VCF-style: chrX-46853548-G-T. GRCh37 (hg19) VCF-style: chrX-46712983-G-T.
Other names: short protein forms G59*.
Identifiers: ClinVar variation 1353603 (VCV001353603.6), dbSNP rs2147081178, ClinGen allele CA413038941.

ClinVar aggregate classification (germline): Pathogenic (1 of 4 stars; one submission).

Submission:

Labcorp Genetics (formerly Invitae), Labcorp
Classification: Pathogenic. Last evaluated: 2021-03-14. Review status: criteria provided, single submitter. Criteria: Invitae Variant Classification Sherloc (09022015). Collection method: clinical testing. Allele origin: germline.
Comment: For these reasons, this variant has been classified as Pathogenic. This variant has not been reported in the literature in individuals with RP2-related conditions. This variant is not present in population databases (ExAC no frequency). This sequence change creates a premature translational stop signal (p.Gly59*) in the RP2 gene. It is expected to result in an absent or disrupted protein product. Loss-of-function variants in RP2 are known to be pathogenic (PMID: 11992260, 20625056).

Literature cited by the submitters: PubMed 11992260; PubMed 20625056.